The following is an entry in ClinVar:

ClinVar aggregate classification (germline): Uncertain significance (1 of 4 stars; one submission).

Conditions:
Hereditary cancer-predisposing syndrome. Also called: Hereditary Cancer Syndrome; Hereditary neoplastic syndrome; Neoplastic Syndromes, Hereditary; Tumor predisposition. Identifiers: Orphanet 140162, MedGen C0027672, MeSH D009386, MONDO:0015356.

Submission:

Ambry Genetics
Classification: Uncertain significance for Hereditary cancer-predisposing syndrome. Last evaluated: 2025-09-10. Review status: criteria provided, single submitter. Criteria: Ambry Variant Classification Scheme 2023. Collection method: clinical testing. Allele origin: germline.
Comment: The p.L1704F variant (also known as c.5112A>C), located in coding exon 23 of the DICER1 gene, results from an A to C substitution at nucleotide position 5112. The leucine at codon 1704 is replaced by phenylalanine, an amino acid with highly similar properties. This amino acid position is conserved. In addition, this alteration is predicted to be deleterious by in silico analysis. Based on the available evidence, the clinical significance of this variant remains unclear.

NM_177438.3(DICER1):c.5112A>C (p.Leu1704Phe)

Gene: DICER1 (dicer 1, ribonuclease III; minus strand). Cytogenetic location: 14q32.13.
Variant type: single nucleotide variant.
Coding change: c.5112A>C on transcript NM_177438.3 (MANE Select); coding-DNA position 5112, A replaced by C.
Protein change: p.Leu1704Phe; replaces leucine 1704 with phenylalanine.
Molecular consequence: missense variant. On other transcripts: non-coding transcript variant (6).
Genome position (GRCh38, 1-based): chr14:95,094,140, T>G on the plus strand (A>C on the coding strand, the complement: DICER1 is on the minus strand). VCF-style: chr14-95094140-T-G. GRCh37 (hg19) VCF-style: chr14-95560477-T-G.
Other names: c.5112A>C, p.Leu1704Phe (NM_001195573.1, NM_001271282.3, NM_001291628.2 and 8 more transcripts); c.4830A>C, p.Leu1610Phe (NM_001395686.1); c.4707A>C, p.Leu1569Phe (NM_001395687.1, NM_001395688.1, NM_001395689.1 and 1 more transcripts); c.4545A>C, p.Leu1515Phe (NM_001395691.1); c.3429A>C, p.Leu1143Phe (NM_001395697.1); short protein forms L1143F, L1610F, L1704F, L1515F, L1569F.
Identifiers: ClinVar variation 4240550 (VCV004240550.1).